The following is an entry in ClinVar:

NM_005183.4(CACNA1F):c.2932C>T (p.Arg978Ter)

Gene: CACNA1F (calcium voltage-gated channel subunit alpha1 F; minus strand). Cytogenetic location: Xp11.23.
Variant type: single nucleotide variant.
Coding change: c.2932C>T on transcript NM_005183.4; coding-DNA position 2932, C replaced by T.
Protein change: p.Arg978Ter; replaces arginine 978 with a stop codon.
Genome position (GRCh38, 1-based): chrX:49,218,484, G>A on the plus strand (C>T on the coding strand, the complement: CACNA1F is on the minus strand). VCF-style: chrX-49218484-G-A. GRCh37 (hg19) VCF-style: chrX-49074943-G-A.
Other names: c.2899C>T, p.Arg967Ter (NM_001256789.3); c.2737C>T, p.Arg913Ter (NM_001256790.3); short protein forms R913*, R967*, R978*.
Identifiers: ClinVar variation 1691797 (VCV001691797.10), dbSNP rs1557107966, ClinGen allele CA412964634.

ClinVar aggregate classification (germline): Pathogenic. Review status: criteria provided, multiple submitters, no conflicts (2 of 4 stars). 3 submissions from 3 submitters: Pathogenic (3). Last evaluated 2025-09-08.

Conditions:
CACNA1F-related disorder. Also called: CACNA1F-related condition.

Allele frequency attached by ClinVar (database versions not stated): gnomAD exomes 0.00001.
gnomAD v4.1: 4 of 1,183,972 alleles (0.00034%); highest among the groups gnomAD compares: East Asian, 0.0031%; no homozygotes.

Submissions (3):

GeneDx
Classification: Pathogenic. Last evaluated: 2025-09-08. Review status: criteria provided, single submitter. Criteria: GeneDx Variant Classification Process June 2021. Collection method: clinical testing. Allele origin: germline. Affected: yes.
Comment: Nonsense variant predicted to result in protein truncation or nonsense mediated decay in a gene for which loss of function is a known mechanism of disease; Not observed at significant frequency in large population cohorts (gnomAD); Also known as c.2737C>T p.(R913*); This variant is associated with the following publications: (PMID: 25525159, 30825406, 34132631, 23714322, 25356976, 11381068, 38448886)

Labcorp Genetics (formerly Invitae), Labcorp
Classification: Pathogenic. Last evaluated: 2022-08-20. Review status: criteria provided, single submitter. Criteria: Invitae Variant Classification Sherloc (09022015). Collection method: clinical testing. Allele origin: germline.
Comment: This sequence change creates a premature translational stop signal (p.Arg978*) in the CACNA1F gene. It is expected to result in an absent or disrupted protein product. Loss-of-function variants in CACNA1F are known to be pathogenic (PMID: 9662399, 11281458, 17525176, 22194652, 24124559, 26992781). The frequency data for this variant in the population databases is considered unreliable, as metrics indicate poor data quality at this position in the gnomAD database. This premature translational stop signal has been observed in individual(s) with cone-rod dystrophy and/or night blindness (PMID: 11381068, 23714322, 25356976). This variant is also known as C2737T, Arg913Stop. ClinVar contains an entry for this variant (Variation ID: 1691797). For these reasons, this variant has been classified as Pathogenic.

Blueprint Genetics
Classification: Pathogenic for CACNA1F-related disorders. Last evaluated: 2021-09-14. Review status: criteria provided, single submitter. Criteria: ACMG Guidelines, 2015. Collection method: clinical testing. Allele origin: germline. Affected: yes. Observed: 1 variant allele.

Literature cited by the submitters: PubMed 9662399 (cited by Labcorp Genetics (formerly Invitae), Labcorp); PubMed 11281458 (cited by Labcorp Genetics (formerly Invitae), Labcorp); PubMed 17525176 (cited by Labcorp Genetics (formerly Invitae), Labcorp); PubMed 22194652 (cited by Labcorp Genetics (formerly Invitae), Labcorp); PubMed 24124559 (cited by Labcorp Genetics (formerly Invitae), Labcorp); PubMed 26992781 (cited by Labcorp Genetics (formerly Invitae), Labcorp); PubMed 11381068 (cited by Labcorp Genetics (formerly Invitae), Labcorp); PubMed 23714322 (cited by Labcorp Genetics (formerly Invitae), Labcorp); PubMed 25356976 (cited by Labcorp Genetics (formerly Invitae), Labcorp).